The following is an entry in ClinVar:

ClinVar aggregate classification (germline): Likely benign. Review status: criteria provided, multiple submitters, no conflicts (2 of 4 stars). 2 submissions from 2 submitters: Likely benign (2). Last evaluated 2026-08-01.

Allele frequency attached by ClinVar (database versions not stated): 1000 Genomes Project 30x 0.00109; 1000 Genomes Project 0.00120; TOPMed 0.00317; gnomAD 0.00431 and 0.00453; gnomAD exomes 0.00475.
gnomAD v4.1: 1,795 of 398,408 alleles (0.45%); highest among the groups gnomAD compares: Non-Finnish European, 0.58%; 6 homozygotes.

Submissions (2):

CeGaT Center for Human Genetics Tuebingen
Classification: Likely benign. Last evaluated: 2026-08-01. Review status: criteria provided, single submitter. Criteria: CeGaT Center For Human Genetics Tuebingen Variant Classification Criteria Version 2. Collection method: clinical testing. Allele origin: germline. Affected: yes. Observed: 42 variant alleles.
Comment: KCNQ1OT1: BS2

Blueprint Genetics
Classification: Likely benign. Last evaluated: 2024-11-06. Review status: criteria provided, single submitter. Criteria: ACMG Guidelines, 2015. Collection method: clinical testing. Allele origin: germline.

NM_000218.3(KCNQ1):c.1394-2822A>G

Genes: KCNQ1 (potassium voltage-gated channel subfamily Q member 1; plus strand), KCNQ1OT1 (KCNQ1 opposite strand/antisense transcript 1; minus strand). Cytogenetic location: 11p15.5.
Variant type: single nucleotide variant.
Coding change: c.1394-2822A>G on transcript NM_000218.3 (MANE Select); 2822 bases into the intron before coding-DNA position 1394, A replaced by G.
Molecular consequence: intron variant.
Genome position (GRCh38, 1-based): chr11:2,659,139, A>G. VCF-style: chr11-2659139-A-G. GRCh37 (hg19) VCF-style: chr11-2680369-A-G.
Other names: c.1124-2822A>G (NM_001406837.1); c.1298-2822A>G (NM_001406836.1); c.854-2822A>G (NM_001406838.1); c.1013-2822A>G (NM_181798.2).
Identifiers: ClinVar variation 1694606 (VCV001694606.32), dbSNP rs192469620, ClinGen allele CA216168546.